The following is an entry in ClinVar:

NC_000005.10:g.112707377G>A

Gene: APC (APC regulator of Wnt signaling pathway; plus strand). Cytogenetic location: 5q22.2.
Variant type: single nucleotide variant.
Genome position: GRCh38 VCF-style: chr5-112707377-G-A. GRCh37 (hg19) VCF-style: chr5-112043074-G-A.
Identifiers: ClinVar variation 1038411 (VCV001038411.8), dbSNP rs1005173527, ClinGen allele CA124924587.

ClinVar aggregate classification (germline): Uncertain significance (1 of 4 stars; one submission).

Conditions:
Familial adenomatous polyposis 1 (FAP1). Also called: FAMILIAL ADENOMATOUS POLYPOSIS 1, ATTENUATED; POLYPOSIS, ADENOMATOUS INTESTINAL. Identifiers: MedGen C2713442, MONDO:0021056, OMIM 175100. Disease mechanism: loss of function.

Allele frequency attached by ClinVar (database versions not stated): TOPMed below 0.00001.

Submission:

Labcorp Genetics (formerly Invitae), Labcorp
Classification: Uncertain significance for Familial adenomatous polyposis 1. Last evaluated: 2025-06-10. Review status: criteria provided, single submitter. Criteria: Invitae Variant Classification Sherloc (09022015). Collection method: clinical testing. Allele origin: germline.
Comment: This variant occurs in a non-coding region of the APC gene. It does not change the encoded amino acid sequence of the APC protein. This variant is not present in population databases (gnomAD no frequency). This variant has not been reported in the literature in individuals affected with APC-related conditions. Experimental studies and prediction algorithms are not available or were not evaluated, and the functional significance of this variant is currently unknown. In summary, the available evidence is currently insufficient to determine the role of this variant in disease. Therefore, it has been classified as a Variant of Uncertain Significance.